The following is an entry in ClinVar:

ClinVar aggregate classification (germline): Uncertain significance. Review status: criteria provided, single submitter (1 of 4 stars). 2 submissions from 2 submitters: Uncertain significance (1). 1 of the submissions does not count toward it. Last evaluated 2020-10-30.

Conditions:
PCNT-related disorder. Also called: PCNT-related condition.

gnomAD v4.1: 64 of 1,613,674 alleles (0.004%); highest among the groups gnomAD compares: African/African-American, 0.0013%; no homozygotes.

Submissions (2):

Blueprint Genetics
Classification: Uncertain significance. Last evaluated: 2020-10-30. Review status: criteria provided, single submitter. Criteria: ACMG Guidelines, 2015. Collection method: clinical testing. Allele origin: germline.

PreventionGenetics, part of Exact Sciences
Classification: Uncertain significance for PCNT-related condition. Last evaluated: 2024-09-26. Review status: no assertion criteria provided. Collection method: clinical testing. Allele origin: germline. Not counted in ClinVar's aggregate classification.
Comment: The PCNT c.5320G>A variant is predicted to result in the amino acid substitution p.Glu1774Lys. To our knowledge, this variant has not been reported in the literature. This variant is reported in 0.10% of alleles in individuals of European (Finnish) descent in gnomAD, which is more common than expected for a primary cause of disease. Although we suspect that this variant may be benign, at this time, the clinical significance is uncertain due to the absence of conclusive functional and genetic evidence.

NM_006031.6(PCNT):c.5320G>A (p.Glu1774Lys)

Gene: PCNT (pericentrin; plus strand). Cytogenetic location: 21q22.3.
Variant type: single nucleotide variant.
Coding change: c.5320G>A on transcript NM_006031.6 (MANE Select); coding-DNA position 5320, G replaced by A.
Protein change: p.Glu1774Lys; replaces glutamic acid 1774 with lysine.
Molecular consequence: missense variant.
Genome position (GRCh38, 1-based): chr21:46,411,393, G>A. VCF-style: chr21-46411393-G-A. GRCh37 (hg19) VCF-style: chr21-47831307-G-A.
Other names: c.4966G>A, p.Glu1656Lys (NM_001315529.2); short protein forms E1656K, E1774K.
Identifiers: ClinVar variation 3345689 (VCV003345689.2).